The following is an entry in ClinVar:

NM_006031.6(PCNT):c.5519G>T (p.Arg1840Leu)

Gene: PCNT (pericentrin; plus strand). Cytogenetic location: 21q22.3.
Variant type: single nucleotide variant.
Coding change: c.5519G>T on transcript NM_006031.6 (MANE Select); coding-DNA position 5519, G replaced by T.
Protein change: p.Arg1840Leu; replaces arginine 1840 with leucine.
Molecular consequence: missense variant.
Genome position (GRCh38, 1-based): chr21:46,411,592, G>T. VCF-style: chr21-46411592-G-T. GRCh37 (hg19) VCF-style: chr21-47831506-G-T.
Other names: c.5165G>T, p.Arg1722Leu (NM_001315529.2); short protein forms R1722L, R1840L.
Identifiers: ClinVar variation 3350946 (VCV003350946.1).

ClinVar aggregate classification (germline): Uncertain significance (0 of 4 stars; one submission).

Conditions:
PCNT-related disorder. Also called: PCNT-related condition.

gnomAD v4.1: 21 of 1,612,902 alleles (0.0013%); highest among the groups gnomAD compares: Non-Finnish European, 0.0016%; no homozygotes.

Submission:

PreventionGenetics, part of Exact Sciences
Classification: Uncertain significance for PCNT-related condition. Last evaluated: 2024-04-16. Review status: no assertion criteria provided. Collection method: clinical testing. Allele origin: germline.
Comment: The PCNT c.5519G>T variant is predicted to result in the amino acid substitution p.Arg1840Leu. To our knowledge, this variant has not been reported in the literature. This variant is reported in 0.0046% of alleles in individuals of European (Finnish) descent in gnomAD. At this time, the clinical significance of this variant is uncertain due to the absence of conclusive functional and genetic evidence.